The following is an entry in ClinVar:

ClinVar aggregate classification (germline): Benign/Likely benign. Review status: criteria provided, multiple submitters, no conflicts (2 of 4 stars). 2 submissions from 2 submitters: Benign (1); Likely benign (1). Last evaluated 2025-12-16.

Conditions:
Intellectual disability. Also called: Intellectual developmental disorder; Intellectual functioning disability; intellectual disabilities. Identifiers: MedGen C3714756, MeSH D008607, MONDO:0001071, HP:0001249.

Submissions (2):

Labcorp Genetics (formerly Invitae), Labcorp
Classification: Benign for Intellectual disability. Last evaluated: 2025-12-16. Review status: criteria provided, single submitter. Criteria: Invitae Variant Classification Sherloc (09022015). Collection method: clinical testing. Allele origin: germline.

GeneDx
Classification: Likely benign. Last evaluated: 2018-03-15. Review status: criteria provided, single submitter. Criteria: GeneDx Variant Classification (06012015). Collection method: clinical testing. Allele origin: germline. Affected: yes.
Comment: This variant is considered likely benign or benign based on one or more of the following criteria: it is a conservative change, it occurs at a poorly conserved position in the protein, it is predicted to be benign by multiple in silico algorithms, and/or has population frequency not consistent with disease.

NM_001371727.1(GABRB2):c.238-14del

Gene: GABRB2 (gamma-aminobutyric acid type A receptor subunit beta2; minus strand). Cytogenetic location: 5q34.
Variant type: Deletion.
Coding change: c.238-14del on transcript NM_001371727.1 (MANE Select); 14 bases into the intron before coding-DNA position 238, one base deleted (T; older notation c.238-14delT).
Molecular consequence: intron variant.
Genome position (GRCh38, 1-based): chr5:161,459,858, A deleted on the plus strand (T on the coding strand, the reverse complement: GABRB2 is on the minus strand); the first of 9 consecutive A bases (chr5:161,459,858-161,459,866); deleting any one gives the same sequence. VCF-style (leftmost placement, unchanged base first): chr5-161459857-GA-G. GRCh37 (hg19) VCF-style: chr5-160886863-GA-G.
Other names: c.238-14del (NM_000813.3, NM_021911.3); c.238-14delT (NM_021911.2).
Identifiers: ClinVar variation 421516 (VCV000421516.6), dbSNP rs539366743, ClinGen allele CA3543622.